The following is an entry in ClinVar:

NM_000133.4(F9):c.853G>T (p.Glu285Ter)

Gene: F9 (coagulation factor IX; plus strand). Cytogenetic location: Xq27.1.
Variant type: single nucleotide variant.
Coding change: c.853G>T on transcript NM_000133.4 (MANE Select); coding-DNA position 853, G replaced by T.
Protein change: p.Glu285Ter; replaces glutamic acid 285 with a stop codon.
Molecular consequence: nonsense.
Genome position (GRCh38, 1-based): chrX:139,561,538, G>T. VCF-style: chrX-139561538-G-T. GRCh37 (hg19) VCF-style: chrX-138643697-G-T.
Other names: c.739G>T, p.Glu247Ter (NM_001313913.2); short protein forms E247*, E285*.
Identifiers: ClinVar variation 1804647 (VCV001804647.4), dbSNP rs2520842805, ClinGen allele CA414444493.

ClinVar aggregate classification (germline): Pathogenic/Likely pathogenic. Review status: criteria provided, multiple submitters, no conflicts (2 of 4 stars). 2 submissions from 2 submitters: Pathogenic (1); Likely pathogenic (1). Last evaluated 2024-07-17.

Conditions:
Hereditary factor IX deficiency disease (HEMB). Also called: F9 DEFICIENCY; FACTOR IX DEFICIENCY; Christmas Disease; Hemophilia B; PLASMA THROMBOPLASTIN COMPONENT DEFICIENCY. Identifiers: Orphanet 98879, MedGen C0008533, MeSH D002836, MONDO:0010604, OMIM 306900.
Thrombophilia, X-linked, due to factor 9 defect. Identifiers: MedGen C2749016, MONDO:0010432, OMIM 300807.

Submissions (2):

Labcorp Genetics (formerly Invitae), Labcorp
Classification: Pathogenic for Thrombophilia, X-linked, due to factor 9 defect; Hereditary factor IX deficiency disease. Last evaluated: 2024-07-17. Review status: criteria provided, single submitter. Criteria: Invitae Variant Classification Sherloc (09022015). Collection method: clinical testing. Allele origin: germline.
Comment: This sequence change creates a premature translational stop signal (p.Glu285*) in the F9 gene. While this is not anticipated to result in nonsense mediated decay, it is expected to disrupt the last 177 amino acid(s) of the F9 protein. This variant is not present in population databases (gnomAD no frequency). This premature translational stop signal has been observed in individuals with hemophilia B (PMID: 24375831; Invitae). ClinVar contains an entry for this variant (Variation ID: 1804647). This variant disrupts a region of the F9 protein in which other variant(s) (p.Arg294*) have been determined to be pathogenic (PMID: 2270538, 8217825, 8314564, 10595634, 22544209, 23093250, 24375831, 26612714). This suggests that this is a clinically significant region of the protein, and that variants that disrupt it are likely to be disease-causing. For these reasons, this variant has been classified as Pathogenic.

Women's Health and Genetics/Laboratory Corporation of America, LabCorp
Classification: Likely pathogenic for Hereditary factor IX deficiency disease. Last evaluated: 2022-11-15. Review status: criteria provided, single submitter. Criteria: LabCorp Variant Classification Summary - May 2015. Collection method: clinical testing. Allele origin: germline.
Comment: Variant summary: F9 c.853G>T (p.Glu285X) results in a premature termination codon in the last exon of the F9 gene, predicted to cause a truncation of the encoded protein. Truncations downstream of this position have been classified as pathogenic by our laboratory. The variant was absent in 178394 control chromosomes (gnomAD). c.853G>T has been reported in the literature in at least one individual affected with Factor IX Deficiency (Hemophilia B) (Li_2014). These data indicate that the variant is likely to be associated with disease. To our knowledge, no experimental evidence demonstrating an impact on protein function has been reported. No clinical diagnostic laboratories have submitted clinical-significance assessments for this variant to ClinVar after 2014. Based on the evidence outlined above, the variant was classified as likely pathogenic.

Literature cited by the submitters: PubMed 24375831 (cited by Labcorp Genetics (formerly Invitae), Labcorp and Women's Health and Genetics/Laboratory Corporation of America, LabCorp); PubMed 2270538 (cited by Labcorp Genetics (formerly Invitae), Labcorp); PubMed 8217825 (cited by Labcorp Genetics (formerly Invitae), Labcorp); PubMed 8314564 (cited by Labcorp Genetics (formerly Invitae), Labcorp); PubMed 10595634 (cited by Labcorp Genetics (formerly Invitae), Labcorp); PubMed 22544209 (cited by Labcorp Genetics (formerly Invitae), Labcorp); PubMed 23093250 (cited by Labcorp Genetics (formerly Invitae), Labcorp); PubMed 26612714 (cited by Labcorp Genetics (formerly Invitae), Labcorp).